The following is an entry in ClinVar:

ClinVar aggregate classification (germline): Uncertain significance (1 of 4 stars; one submission).

Submission:

GeneDx
Classification: Uncertain significance. Last evaluated: 2019-10-03. Review status: criteria provided, single submitter. Criteria: GeneDx Variant Classification Process June 2021. Collection method: clinical testing. Allele origin: germline. Affected: yes.
Comment: Not observed in large population cohorts (Lek et al., 2016); In silico analysis, which includes splice predictors and evolutionary conservation, supports a deleterious effect; Has not been previously published as pathogenic or benign to our knowledge

NM_021120.4(DLG3):c.1146-3C>A

Genes: DLG3 (discs large MAGUK scaffold protein 3; plus strand), DLG3-AS1 (DLG3 antisense RNA 1; minus strand). Cytogenetic location: Xq13.1.
Variant type: single nucleotide variant.
Coding change: c.1146-3C>A on transcript NM_021120.4 (MANE Select); 3 bases into the intron before coding-DNA position 1146, C replaced by A.
Molecular consequence: intron variant.
Genome position (GRCh38, 1-based): chrX:70,453,634, C>A. VCF-style: chrX-70453634-C-A. GRCh37 (hg19) VCF-style: chrX-69673484-C-A.
Other names: c.135-3C>A (NM_020730.3).
Identifiers: ClinVar variation 1309082 (VCV001309082.2), dbSNP rs2147777445, ClinGen allele CA2573055385.
Genomic context (GRCh38, chrX:70,453,634, plus strand): 5'-GGCCCTCAAAGGACAACAGTCCATATCTACCTAGTCCTGACTCCTCCACTCCTTTCCCAC[C>A]AGAGAGCCTCGCAAGATCATCCTGCACAAAGGCTCCACAGGCCTGGGCTTCAACATCGTA-3'